The following is an entry in ClinVar:

ClinVar aggregate classification (germline): Uncertain significance (1 of 4 stars; one submission).

Submission:

Women's Health and Genetics/Laboratory Corporation of America, LabCorp
Classification: Uncertain significance. Last evaluated: 2021-04-15. Review status: criteria provided, single submitter. Criteria: LabCorp Variant Classification Summary - May 2015. Collection method: clinical testing. Allele origin: germline.
Comment: Variant summary: RASA2 c.1675-7T>G alters a non-conserved nucleotide located close to a canonical splice site and therefore could affect mRNA splicing, leading to a significantly altered protein sequence. 4/4 computational tools predict no significant impact on normal splicing. However, these predictions have yet to be confirmed by functional studies. The variant was absent in 171532 control chromosomes. The available data on variant occurrences in the general population are insufficient to allow any conclusion about variant significance. To our knowledge, no occurrence of c.1675-7T>G in individuals affected with Noonan Syndrome and no experimental evidence demonstrating its impact on protein function have been reported. No clinical diagnostic laboratories have submitted clinical-significance assessments for this variant to ClinVar after 2014. Based on the evidence outlined above, the variant was classified as uncertain significance.

NM_006506.5(RASA2):c.1675-7T>G

Gene: RASA2 (RAS p21 protein activator 2; plus strand). Cytogenetic location: 3q23.
Variant type: single nucleotide variant.
Coding change: c.1675-7T>G on transcript NM_006506.5 (MANE Select); 7 bases into the intron before coding-DNA position 1675, T replaced by G.
Molecular consequence: intron variant.
Genome position (GRCh38, 1-based): chr3:141,581,093, T>G. VCF-style: chr3-141581093-T-G. GRCh37 (hg19) VCF-style: chr3-141299935-T-G.
Other names: c.1675-7T>G (NM_001303245.3, NM_001303246.3).
Identifiers: ClinVar variation 1065162 (VCV001065162.1), dbSNP rs2107770441, ClinGen allele CA2499216538.
Genomic context (GRCh38, chr3:141,581,093, plus strand): 5'-AATACAGTCCATTCTATTCTTAATTCTCTATTTAACACATATAAACCCTGTGTTTGTTTT[T>G]TCTTAGTCAAGTTTCAAAGAGACATTCATGTGTGAATTTTTCAAAATGTTTCAAGAAGAA-3'